The following is an entry in ClinVar:

NM_001130987.2(DYSF):c.6174-2A>C

Gene: DYSF (dysferlin; plus strand). Cytogenetic location: 2p13.2.
Variant type: single nucleotide variant.
Coding change: c.6174-2A>C on transcript NM_001130987.2 (MANE Select); the canonical splice acceptor site of the intron before coding-DNA position 6174, A replaced by C.
Molecular consequence: splice acceptor variant.
Genome position (GRCh38, 1-based): chr2:71,682,528, A>C. VCF-style: chr2-71682528-A-C. GRCh37 (hg19) VCF-style: chr2-71909658-A-C.
Other names: c.6150-2A>C (NM_001130979.2); c.6171-2A>C (NM_001130981.2); c.6108-2A>C (NM_001130980.2); c.6120-2A>C (NM_001130978.2); c.6057-2A>C (NM_003494.4); c.6078-2A>C (NM_001130977.2); c.6015-2A>C (NM_001130976.2); c.6153-2A>C (NM_001130982.2); and 5 more.
Identifiers: ClinVar variation 4293162 (VCV004293162.1).

ClinVar aggregate classification (germline): Pathogenic (1 of 4 stars; one submission).

Conditions:
DYSF-related disorder. Also called: DYSF-related condition; DYSF-related disorders.

Submission:

3billion
Classification: Pathogenic for DYSF-related disorder. Last evaluated: 2025-04-03. Review status: criteria provided, single submitter. Criteria: ACMG Guidelines, 2015. Collection method: clinical testing. Allele origin: germline. Affected: yes.
Comment: The variant is not observed in the gnomAD v4.1.0 dataset. Predicted Consequence/Location: Canonical splice site: predicted to alter splicing and result in a loss or disruption of normal protein function. Multiple pathogenic loss-of-function variants are reported downstream of the variant. The variant has been reported to be associated with DYSF-related disorder (PMID: 27363342 / 3billion dataset). Therefore, this variant is classified as Pathogenic according to the recommendation of ACMG/AMP guideline.

Literature cited by the submitters: PubMed 27363342.